The following is an entry in ClinVar:

ClinVar aggregate classification (germline): Conflicting classifications of pathogenicity. Review status: criteria provided, conflicting classifications (1 of 4 stars). 4 submissions from 4 submitters: Uncertain significance (3); Likely benign (1). Last evaluated 2024-09-30.

Conditions:
Hereditary cancer-predisposing syndrome. Also called: Neoplastic Syndromes, Hereditary; Tumor predisposition; Hereditary Cancer Syndrome; Hereditary neoplastic syndrome. Identifiers: Orphanet 140162, MedGen C0027672, MeSH D009386, MONDO:0015356.

Submissions (4):

Quest Diagnostics Nichols Institute San Juan Capistrano
Classification: Uncertain significance. Last evaluated: 2024-09-30. Review status: criteria provided, single submitter. Criteria: Quest Diagnostics criteria. Collection method: clinical testing. Allele origin: unknown.
Comment: The BRCA2 c.6092C>A (p.Thr2031Asn) variant has not been reported in individuals with BRCA2-related conditions in the published literature. It also has not been reported in large, multi-ethnic general populations (Genome Aggregation Database). Analysis of this variant using bioinformatics tools for the prediction of the effect of amino acid changes on protein structure and function yielded predictions that this variant is benign. Based on the available information, we are unable to determine the clinical significance of this variant.

University of Washington Department of Laboratory Medicine, University of Washington
Classification: Likely benign for Hereditary cancer-predisposing syndrome. Last evaluated: 2023-03-23. Review status: criteria provided, single submitter. Criteria: Dines et al. (Genet Med. 2020). Collection method: curation. Allele origin: germline.
Comment: Missense variant in a coldspot region where missense variants are very unlikely to be pathogenic (PMID:31911673).

BRCA2 exon 11 coldspot. Reclassification based on statistical prior probability.

Ambry Genetics
Classification: Uncertain significance for Hereditary cancer-predisposing syndrome. Last evaluated: 2023-02-06. Review status: criteria provided, single submitter. Criteria: Ambry Variant Classification Scheme 2023. Collection method: clinical testing. Allele origin: germline.
Comment: The p.T2031N variant (also known as c.6092C>A), located in coding exon 10 of the BRCA2 gene, results from a C to A substitution at nucleotide position 6092. The threonine at codon 2031 is replaced by asparagine, an amino acid with similar properties. This amino acid position is not well conserved in available vertebrate species. In addition, this alteration is predicted to be tolerated by in silico analysis. Since supporting evidence is limited at this time, the clinical significance of this alteration remains unclear.

Color Diagnostics, LLC DBA Color Health
Classification: Uncertain significance for Hereditary cancer-predisposing syndrome. Last evaluated: 2019-09-20. Review status: criteria provided, single submitter. Criteria: ACMG Guidelines, 2015. Collection method: clinical testing. Allele origin: germline.
Comment: This missense variant replaces threonine with asparagine at codon 2031 of the BRCA2 protein. Computational prediction tool suggests that this variant may not impact protein structure and function (internally defined REVEL score threshold ≤0.5, PMID: 27666373). Splice site prediction tools suggest that this variant may not impact RNA splicing. To our knowledge, functional studies have not been performed for this variant. This variant has not been reported in individuals affected with hereditary cancer in the literature. This variant has not been identified in the general population by the Genome Aggregation Database (gnomAD). The available evidence is insufficient to determine the role of this variant in disease conclusively. Therefore, this variant is classified as a Variant of Uncertain Significance.

NM_000059.4(BRCA2):c.6092C>A (p.Thr2031Asn)

Gene: BRCA2 (BRCA2 DNA repair associated; plus strand). Cytogenetic location: 13q13.1.
Variant type: single nucleotide variant.
Coding change: c.6092C>A on transcript NM_000059.4 (MANE Select); coding-DNA position 6092, C replaced by A.
Protein change: p.Thr2031Asn; replaces threonine 2031 with asparagine.
Molecular consequence: missense variant.
Genome position (GRCh38, 1-based): chr13:32,340,447, C>A. VCF-style: chr13-32340447-C-A. GRCh37 (hg19) VCF-style: chr13-32914584-C-A.
Other names: short protein forms T2031N.
Identifiers: ClinVar variation 923159 (VCV000923159.8), dbSNP rs876658761, ClinGen allele CA387788065.